The following is an entry in ClinVar:

NM_020207.7(ERCC6L2):c.3730G>T (p.Ala1244Ser)

Gene: ERCC6L2 (ERCC excision repair 6 like 2; plus strand). Cytogenetic location: 9q22.32.
Variant type: single nucleotide variant.
Coding change: c.3730G>T on transcript NM_020207.7 (MANE Select); coding-DNA position 3730, G replaced by T.
Protein change: p.Ala1244Ser; replaces alanine 1244 with serine.
Molecular consequence: missense variant. On other transcripts: non-coding transcript variant (1), intron variant (2).
Genome position (GRCh38, 1-based): chr9:96,012,280, G>T. VCF-style: chr9-96012280-G-T. GRCh37 (hg19) VCF-style: chr9-98774562-G-T.
Other names: c.3674+7579G>T (NM_001375291.1, NM_001375292.1); short protein forms A1244S.
Identifiers: ClinVar variation 1480661 (VCV001480661.8), dbSNP rs776098900, ClinGen allele CA5139987.
Genomic context (GRCh38, chr9:96,012,280, plus strand): 5'-TTTAGAAAACAATTTGAAGAAATGGCCTCTTATTTTAACTCGTCTTCTGTAAACGAATTT[G>T]CTAAACATATAACCAATGCCACATCAGAAGAACGACAGAAAATGCTAAGAGACTTTTATG-3'
Protein context (NP_064592.3, residues 1234-1254): YFNSSSVNEF[Ala1244Ser]KHITNATSEE

ClinVar aggregate classification (germline): Uncertain significance (1 of 4 stars; one submission).

Allele frequency attached by ClinVar (database versions not stated): gnomAD exomes below 0.00001; ExAC 0.00002.
gnomAD v4.1: 2 of 1,317,424 alleles (0.00015%); highest among the groups gnomAD compares: Non-Finnish European, 0.0002%; no homozygotes.

Submission:

Labcorp Genetics (formerly Invitae), Labcorp
Classification: Uncertain significance. Last evaluated: 2022-03-02. Review status: criteria provided, single submitter. Criteria: Invitae Variant Classification Sherloc (09022015). Collection method: clinical testing. Allele origin: germline.
Comment: In summary, the available evidence is currently insufficient to determine the role of this variant in disease. Therefore, it has been classified as a Variant of Uncertain Significance. Algorithms developed to predict the effect of missense changes on protein structure and function are either unavailable or do not agree on the potential impact of this missense change (SIFT: "Deleterious"; PolyPhen-2: "Not Available"; Align-GVGD: "Class C0"). This variant has not been reported in the literature in individuals affected with ERCC6L2-related conditions. The frequency data for this variant in the population databases is considered unreliable, as metrics indicate poor data quality at this position in the gnomAD database. This sequence change replaces alanine, which is neutral and non-polar, with serine, which is neutral and polar, at codon 1255 of the ERCC6L2 protein (p.Ala1255Ser).